The following is an entry in ClinVar:

NM_001376.5(DYNC1H1):c.7372C>T (p.Leu2458Phe)

Gene: DYNC1H1 (dynein cytoplasmic 1 heavy chain 1; plus strand). Cytogenetic location: 14q32.31.
Variant type: single nucleotide variant.
Coding change: c.7372C>T on transcript NM_001376.5 (MANE Select); coding-DNA position 7372, C replaced by T.
Protein change: p.Leu2458Phe; replaces leucine 2458 with phenylalanine.
Molecular consequence: missense variant.
Genome position (GRCh38, 1-based): chr14:102,015,985, C>T. VCF-style: chr14-102015985-C-T. GRCh37 (hg19) VCF-style: chr14-102482322-C-T.
Other names: short protein forms L2458F.
Identifiers: ClinVar variation 539764 (VCV000539764.9), dbSNP rs1161281176, ClinGen allele CA391001978.

ClinVar aggregate classification (germline): Uncertain significance. Review status: criteria provided, multiple submitters, no conflicts (2 of 4 stars). 2 submissions from 2 submitters: Uncertain significance (2). Last evaluated 2023-03-25.

Conditions:
Charcot-Marie-Tooth disease axonal type 2O. Also called: CHARCOT-MARIE-TOOTH NEUROPATHY, AXONAL, TYPE 2O; CHARCOT-MARIE-TOOTH DISEASE, AXONAL, AUTOSOMAL DOMINANT, TYPE 2O; Charcot-Marie-Tooth Neuropathy Type 2O; Charcot-Marie-Tooth disease, axonal, type 20. Identifiers: Orphanet 284232, MedGen C3280220, MONDO:0013644, OMIM 614228.

Allele frequency attached by ClinVar (database versions not stated): gnomAD exomes below 0.00001; TOPMed below 0.00001.
gnomAD v4.1: 2 of 1,614,002 alleles (0.00012%); highest among the groups gnomAD compares: Non-Finnish European, 0.00017%; no homozygotes.

Submissions (2):

Labcorp Genetics (formerly Invitae), Labcorp
Classification: Uncertain significance for Charcot-Marie-Tooth disease axonal type 2O. Last evaluated: 2023-03-25. Review status: criteria provided, single submitter. Criteria: Invitae Variant Classification Sherloc (09022015). Collection method: clinical testing. Allele origin: germline.
Comment: This sequence change replaces leucine, which is neutral and non-polar, with phenylalanine, which is neutral and non-polar, at codon 2458 of the DYNC1H1 protein (p.Leu2458Phe). This variant is not present in population databases (gnomAD no frequency). This variant has not been reported in the literature in individuals affected with DYNC1H1-related conditions. ClinVar contains an entry for this variant (Variation ID: 539764). Advanced modeling of protein sequence and biophysical properties (such as structural, functional, and spatial information, amino acid conservation, physicochemical variation, residue mobility, and thermodynamic stability) performed at Invitae indicates that this missense variant is not expected to disrupt DYNC1H1 protein function. In summary, the available evidence is currently insufficient to determine the role of this variant in disease. Therefore, it has been classified as a Variant of Uncertain Significance.

GeneDx
Classification: Uncertain significance. Last evaluated: 2022-10-12. Review status: criteria provided, single submitter. Criteria: GeneDx Variant Classification Process June 2021. Collection method: clinical testing. Allele origin: germline. Affected: yes.
Comment: Not observed at significant frequency in large population cohorts (gnomAD); In silico analysis supports that this missense variant does not alter protein structure/function; Has not been previously published as pathogenic or benign to our knowledge; This variant is associated with the following publications: (PMID: 26100331, 25609763, 25512093, 30611313)